The following is an entry in ClinVar:

NM_004560.4(ROR2):c.1710G>A (p.Pro570=)

Gene: ROR2 (ROR family WNT receptor 2; minus strand). Cytogenetic location: 9q22.31.
Variant type: single nucleotide variant.
Coding change: c.1710G>A on transcript NM_004560.4 (MANE Select); coding-DNA position 1710, G replaced by A.
Protein change: p.Pro570=; no amino-acid change (proline 570 retained).
Molecular consequence: synonymous variant.
Genome position (GRCh38, 1-based): chr9:91,724,784, C>T on the plus strand (G>A on the coding strand, the complement: ROR2 is on the minus strand). VCF-style: chr9-91724784-C-T. GRCh37 (hg19) VCF-style: chr9-94487066-C-T.
Identifiers: ClinVar variation 159811 (VCV000159811.23), dbSNP rs41277837, ClinGen allele CA173316.
Genomic context (GRCh38, chr9:91,724,784, plus strand): 5'-GGGGGGCTCCAGGGCGGACTTCACCGTGCGGTCATCATCGGTGCTGCCCACGTCCGAGTG[C>T]GGCGAGCGCATGACCAGGAATTCGTGGAGGTCGCCGTGCGAACAGTAGCTGAAGATCATG-3'
Protein context (NP_004551.2, residues 560-580): DLHEFLVMRS[Pro570=]HSDVGSTDDD

ClinVar aggregate classification (germline): Benign/Likely benign. Review status: criteria provided, multiple submitters, no conflicts (2 of 4 stars). 8 submissions from 7 submitters: Benign (6); Likely benign (2). Last evaluated 2026-02-03.

Conditions:
Brachydactyly type B1 (BDB1). Identifiers: Orphanet 572385, Orphanet 93383, MedGen C1862112, MONDO:0007220, OMIM 113000.
Autosomal recessive Robinow syndrome (RRS1). Also called: ROR2-Related Robinow Syndrome; COSTOVERTEBRAL SEGMENTATION DEFECT WITH MESOMELIA; COVESDEM SYNDROME; ROBINOW SYNDROME, AUTOSOMAL RECESSIVE 1. Identifiers: Orphanet 1507, Orphanet 97360, MedGen C5399974, MONDO:0009999, OMIM 268310.

Allele frequency attached by ClinVar (database versions not stated): 1000 Genomes Project 0.01378; 1000 Genomes Project 30x 0.01390; TOPMed 0.02443; gnomAD 0.02714 and 0.02804; gnomAD exomes 0.02738 and 0.03817; ExAC 0.02875; ESP Exome Variant Server 0.03068.
gnomAD v4.1: 59,522 of 1,611,576 alleles (3.7%); highest among the groups gnomAD compares: Non-Finnish European, 4.4%; 1,234 homozygotes.

Submissions (8):

Labcorp Genetics (formerly Invitae), Labcorp
Classification: Benign. Last evaluated: 2026-02-03. Review status: criteria provided, single submitter. Criteria: Invitae Variant Classification Sherloc (09022015). Collection method: clinical testing. Allele origin: germline.

Blueprint Genetics
Classification: Benign. Last evaluated: 2024-11-27. Review status: criteria provided, single submitter. Criteria: ACMG Guidelines, 2015. Collection method: clinical testing. Allele origin: germline.

GeneDx
Classification: Likely benign. Last evaluated: 2021-09-16. Review status: criteria provided, single submitter. Criteria: GeneDx Variant Classification Process June 2021. Collection method: clinical testing. Allele origin: germline. Affected: yes.

Illumina Laboratory Services, Illumina
Classification: Benign for Autosomal recessive Robinow syndrome. Last evaluated: 2018-01-13. Review status: criteria provided, single submitter. Criteria: ICSL Variant Classification Criteria 13 December 2019. Collection method: clinical testing. Allele origin: germline.
Comment: This variant was observed in the ICSL laboratory as part of a predisposition screen in an ostensibly healthy population. It had not been previously curated by ICSL or reported in the Human Gene Mutation Database (HGMD: prior to June 1st, 2018), and was therefore a candidate for classification through an automated scoring system. Utilizing variant allele frequency, disease prevalence and penetrance estimates, and inheritance mode, an automated score was calculated to assess if this variant is too frequent to cause the disease. Based on the score and internal cut-off values, a variant classified as benign is not then subjected to further curation. The score for this variant resulted in a classification of benign for this disease.

Illumina Laboratory Services, Illumina
Classification: Benign for Brachydactyly type B1. Last evaluated: 2018-01-13. Review status: criteria provided, single submitter. Criteria: ICSL Variant Classification Criteria 13 December 2019. Collection method: clinical testing. Allele origin: germline.
Comment: the same text as in the submission from Illumina Laboratory Services, Illumina above.

Genetic Services Laboratory, University of Chicago
Classification: Benign. Last evaluated: 2013-02-08. Review status: criteria provided, single submitter. Criteria: ACMG Guidelines, 2007. Collection method: clinical testing. Allele origin: germline. Inheritance: Autosomal recessive inheritance.

Breakthrough Genomics
Classification: Likely benign. Review status: criteria provided, single submitter. Criteria: ACMG Guidelines, 2015. Collection method: not provided. Allele origin: germline. Inheritance: Autosomal recessive inheritance. Affected: yes.

PreventionGenetics, part of Exact Sciences
Classification: Benign. Review status: criteria provided, single submitter. Criteria: ACMG Guidelines, 2015. Collection method: clinical testing. Allele origin: germline.